The following is an entry in ClinVar:

NM_183050.4(BCKDHB):c.118dup (p.Ala40fs)

Gene: BCKDHB (branched chain keto acid dehydrogenase E1 subunit beta; plus strand). Cytogenetic location: 6q14.1.
Variant type: Duplication.
Coding change: c.118dup on transcript NM_183050.4 (MANE Select); coding-DNA position 118, one base duplicated (G; older notation c.118dupG).
Protein change: p.Ala40fs; shifts the reading frame from alanine 40.
Molecular consequence: frameshift variant. On other transcripts: 5 prime UTR variant (1), non-coding transcript variant (6), intron variant (1).
Genome position (GRCh38, 1-based): chr6:80,106,811, G duplicated. VCF-style (leftmost placement, unchanged base first): chr6-80106810-C-CG. GRCh37 (hg19) VCF-style: chr6-80816527-C-CG.
Other names: c.118dup, p.Ala40fs (NM_000056.5, NM_001424035.1, NM_001424036.1 and 8 more transcripts); c.-47dup (NM_001424043.1); c.-15+128dup (NM_001318975.1); short protein forms A40fs.
Identifiers: ClinVar variation 5011746 (VCV005011746.1).
Genomic context (GRCh38, chr6:80,106,810, plus strand): 5'-TGAGGGGCACTGGCGTCGGCTTCCTGGCGCGGGGCTGGCGCGGGGCTTTTTGCACCCCGC[C>CG]GCGACTGTCGAGGATGCGGCCCAGAGGCGGCAGGTGGCTCATTTTACTTTCCAGCCAGAT-3'

ClinVar aggregate classification (germline): Pathogenic (1 of 4 stars; one submission).

Conditions:
Maple syrup urine disease type 1B (MSUD1B). Also called: MSUD type IB; MSUD type 3 (formerly); MSUD due to deficiency of e1-beta subunit of branched-chain alpha-keto acid dehydrogenase complex. Identifiers: MedGen C2930990, MONDO:0023692, OMIM 620698.

Submission:

Myriad Genetics, Inc.
Classification: Pathogenic for Maple syrup urine disease type 1B. Last evaluated: 2023-09-27. Review status: criteria provided, single submitter. Criteria: Myriad Autosomal Dominant, Autosomal Recessive and X-Linked Classification Criteria (2023). Collection method: clinical testing. Allele origin: unknown.
Comment: NM_183050.2(BCKDHB):c.118dupG(A40Gfs*44) is expected to be pathogenic in the context of maple syrup urine disease type Ib. This variant is predicted to lead to an abnormal or absent protein product due to the creation of a premature termination codon in BCKDHB, a gene where loss-of-function variants are known to be pathogenic. Please note: this variant was assessed in the context of healthy population screening.